The following is an entry in ClinVar:

NM_032638.5(GATA2):c.479C>A (p.Thr160Asn)

Gene: GATA2 (GATA binding protein 2; minus strand). Cytogenetic location: 3q21.3.
Variant type: single nucleotide variant.
Coding change: c.479C>A on transcript NM_032638.5 (MANE Select); coding-DNA position 479, C replaced by A.
Protein change: p.Thr160Asn; replaces threonine 160 with asparagine.
Molecular consequence: missense variant.
Genome position (GRCh38, 1-based): chr3:128,486,119, G>T on the plus strand (C>A on the coding strand, the complement: GATA2 is on the minus strand). VCF-style: chr3-128486119-G-T. GRCh37 (hg19) VCF-style: chr3-128204962-G-T.
Other names: c.479C>A (NM_032638.4); c.479C>A, p.Thr160Asn (NM_001145661.2, NM_001145662.1); short protein forms T160N.
Identifiers: ClinVar variation 1027289 (VCV001027289.10), dbSNP rs751621459, ClinGen allele CA2600022.

ClinVar aggregate classification (germline): Uncertain significance. Review status: criteria provided, multiple submitters, no conflicts (2 of 4 stars). 2 submissions from 2 submitters: Uncertain significance (2). Last evaluated 2026-05-20.

Conditions:
Inborn genetic diseases. Identifiers: MedGen C0950123, MeSH D030342.
Monocytopenia with susceptibility to infections. Also called: MONOCYTOPENIA AND MYCOBACTERIAL INFECTION SYNDROME; MONOCYTOPENIA WITH SUSCEPTIBILITY TO MYCOBACTERIAL, FUNGAL, AND PAPILLOMAVIRUS INFECTIONS AND MYELODYSPLASIA; COMBINED IMMUNODEFICIENCY WITH SUSCEPTIBILITY TO MYCOBACTERIAL, VIRAL, AND FUNGAL INFECTIONS; Dendritic cell, monocyte, B lymphocyte, and natural killer lymphocyte deficiency; IMMUNODEFICIENCY 21; GATA2 DEFICIENCY. Identifiers: Orphanet 228423, MedGen C3280030, MONDO:0013607, OMIM 614172.
Deafness-lymphedema-leukemia syndrome. Also called: Lymphedema, primary, with myelodysplasia; Emberger syndrome. Identifiers: Orphanet 3226, MedGen C3279664, MONDO:0013540, OMIM 614038.

Allele frequency attached by ClinVar (database versions not stated): gnomAD exomes below 0.00001; ExAC 0.00001; TOPMed 0.00001.
gnomAD v4.1: 3 of 1,611,646 alleles (0.00019%); highest among the groups gnomAD compares: African/African-American, 0.0027%; no homozygotes.

Submissions (2):

Ambry Genetics
Classification: Uncertain significance for Inborn genetic diseases. Last evaluated: 2026-05-20. Review status: criteria provided, single submitter. Criteria: Ambry Variant Classification Scheme 2023. Collection method: clinical testing. Allele origin: germline.

Labcorp Genetics (formerly Invitae), Labcorp
Classification: Uncertain significance for Monocytopenia with susceptibility to infections; Deafness-lymphedema-leukemia syndrome. Last evaluated: 2020-05-26. Review status: criteria provided, single submitter. Criteria: Invitae Variant Classification Sherloc (09022015). Collection method: clinical testing. Allele origin: germline.
Comment: This sequence change replaces threonine with asparagine at codon 160 of the GATA2 protein (p.Thr160Asn). The threonine residue is weakly conserved and there is a small physicochemical difference between threonine and asparagine. This variant is present in population databases (rs751621459, ExAC 0.01%). This variant has not been reported in the literature in individuals with GATA2-related conditions. Algorithms developed to predict the effect of missense changes on protein structure and function are either unavailable or do not agree on the potential impact of this missense change (SIFT: "Deleterious"; PolyPhen-2: "Benign"; Align-GVGD: "Class C0"). In summary, the available evidence is currently insufficient to determine the role of this variant in disease. Therefore, it has been classified as a Variant of Uncertain Significance.